The following is an entry in ClinVar:

NM_000051.4(ATM):c.6945G>C (p.Met2315Ile)

Genes: ATM (ATM serine/threonine kinase; plus strand), C11orf65 (chromosome 11 open reading frame 65; minus strand). Cytogenetic location: 11q22.3.
Variant type: single nucleotide variant.
Coding change: c.6945G>C on transcript NM_000051.4 (MANE Select); coding-DNA position 6945, G replaced by C.
Protein change: p.Met2315Ile; replaces methionine 2315 with isoleucine.
Molecular consequence: missense variant. On other transcripts: intron variant (2).
Genome position (GRCh38, 1-based): chr11:108,326,195, G>C. VCF-style: chr11-108326195-G-C. GRCh37 (hg19) VCF-style: chr11-108196922-G-C.
Other names: c.6945G>C, p.Met2315Ile (NM_001351834.2); c.641-17124C>G (NM_001330368.2); c.*38+9025C>G (NM_001351110.2); short protein forms M2315I.
Identifiers: ClinVar variation 1756271 (VCV001756271.3), dbSNP rs1555120014, ClinGen allele CA382557269.

ClinVar aggregate classification (germline): Uncertain significance. Review status: criteria provided, multiple submitters, no conflicts (2 of 4 stars). 3 submissions from 3 submitters: Uncertain significance (2). 1 of the submissions does not count toward it. Last evaluated 2025-11-05.

Conditions:
Ataxia-telangiectasia syndrome (AT). Also called: Ataxia telangiectasia (A-T); LOUIS-BAR SYNDROME; Cerebello-oculocutaneous telangiectasia; Immunodeficiency with ataxia telangiectasia; Ataxia-telangiectasia, complementation group D; AT, COMPLEMENTATION GROUP C. Identifiers: Orphanet 100, MedGen C0004135, MONDO:0008840, OMIM 208900.
Hereditary cancer-predisposing syndrome. Also called: Hereditary neoplastic syndrome; Neoplastic Syndromes, Hereditary; Tumor predisposition; Hereditary Cancer Syndrome. Identifiers: Orphanet 140162, MedGen C0027672, MeSH D009386, MONDO:0015356.

Submissions (3):

Labcorp Genetics (formerly Invitae), Labcorp
Classification: Uncertain significance for Ataxia-telangiectasia syndrome. Last evaluated: 2025-11-05. Review status: criteria provided, single submitter. Criteria: Invitae Variant Classification Sherloc (09022015). Collection method: clinical testing. Allele origin: germline.
Comment: This sequence change replaces methionine, which is neutral and non-polar, with isoleucine, which is neutral and non-polar, at codon 2315 of the ATM protein (p.Met2315Ile). This variant is not present in population databases (gnomAD no frequency). This variant has not been reported in the literature in individuals affected with ATM-related conditions. ClinVar contains an entry for this variant (Variation ID: 1756271). Invitae Evidence Modeling of protein sequence and biophysical properties (such as structural, functional, and spatial information, amino acid conservation, physicochemical variation, residue mobility, and thermodynamic stability) indicates that this missense variant is not expected to disrupt ATM protein function with a negative predictive value of 95%. In summary, the available evidence is currently insufficient to determine the role of this variant in disease. Therefore, it has been classified as a Variant of Uncertain Significance.

Ambry Genetics
Classification: Uncertain significance for Hereditary cancer-predisposing syndrome. Last evaluated: 2025-07-20. Review status: criteria provided, single submitter. Criteria: Ambry Variant Classification Scheme 2023. Collection method: clinical testing. Allele origin: germline.
Comment: The p.M2315I variant (also known as c.6945G>C), located in coding exon 46 of the ATM gene, results from a G to C substitution at nucleotide position 6945. The methionine at codon 2315 is replaced by isoleucine, an amino acid with highly similar properties. This amino acid position is highly conserved in available vertebrate species. In addition, this alteration is predicted to be tolerated by in silico analysis. Since supporting evidence is limited at this time, the clinical significance of this alteration remains unclear.

Natera, Inc.
Classification: Uncertain significance for Ataxia-telangiectasia. Last evaluated: 2025-05-12. Review status: no assertion criteria provided. Collection method: clinical testing. Allele origin: germline. Not counted in ClinVar's aggregate classification.